The following is an entry in ClinVar:

ClinVar aggregate classification (germline): Uncertain significance (1 of 4 stars; one submission).

Submission:

Labcorp Genetics (formerly Invitae), Labcorp
Classification: Uncertain significance. Last evaluated: 2024-04-16. Review status: criteria provided, single submitter. Criteria: Invitae Variant Classification Sherloc (09022015). Collection method: clinical testing. Allele origin: germline.
Comment: This sequence change replaces lysine, which is basic and polar, with glutamic acid, which is acidic and polar, at codon 1016 of the MYH9 protein (p.Lys1016Glu). This variant is not present in population databases (gnomAD no frequency). This variant has not been reported in the literature in individuals affected with MYH9-related conditions. Advanced modeling of protein sequence and biophysical properties (such as structural, functional, and spatial information, amino acid conservation, physicochemical variation, residue mobility, and thermodynamic stability) has been performed at Invitae for this missense variant, however the output from this modeling did not meet the statistical confidence thresholds required to predict the impact of this variant on MYH9 protein function. In summary, the available evidence is currently insufficient to determine the role of this variant in disease. Therefore, it has been classified as a Variant of Uncertain Significance.

NM_002473.6(MYH9):c.3046A>G (p.Lys1016Glu)

Gene: MYH9 (myosin heavy chain 9; minus strand). Cytogenetic location: 22q12.3.
Variant type: single nucleotide variant.
Coding change: c.3046A>G on transcript NM_002473.6 (MANE Select); coding-DNA position 3046, A replaced by G.
Protein change: p.Lys1016Glu; replaces lysine 1016 with glutamic acid.
Molecular consequence: missense variant.
Genome position (GRCh38, 1-based): chr22:36,298,973, T>C on the plus strand (A>G on the coding strand, the complement: MYH9 is on the minus strand). VCF-style: chr22-36298973-T-C. GRCh37 (hg19) VCF-style: chr22-36695019-T-C.
Other names: short protein forms K1016E.
Identifiers: ClinVar variation 2762592 (VCV002762592.3), dbSNP rs2517968072, ClinGen allele CA411390996.